The following is an entry in ClinVar:

ClinVar aggregate classification (germline): Likely benign (1 of 4 stars; one submission).

Submission:

Laboratory for Molecular Medicine, Mass General Brigham Personalized Medicine
Classification: Likely benign. Last evaluated: 2016-11-08. Review status: criteria provided, single submitter. Criteria: LMM Criteria. Collection method: clinical testing. Allele origin: germline. Observed: 1 variant allele.
Comment: p.Ala170Thr in exon 4A of PAX3: This variant is not expected to have clinical si gnificance due to a lack of conservation across species, including mammals. Of n ote, Guinea pig, alpaca, and Bactrian camel have a threonine (Thr) at this posit ion despite high nearby amino acid conservation.

NM_181458.4(PAX3):c.508G>A (p.Ala170Thr)

Gene: PAX3 (paired box 3; minus strand). Cytogenetic location: 2q36.1.
Variant type: single nucleotide variant.
Coding change: c.508G>A on transcript NM_181458.4 (MANE Select); coding-DNA position 508, G replaced by A.
Protein change: p.Ala170Thr; replaces alanine 170 with threonine.
Molecular consequence: missense variant.
Genome position (GRCh38, 1-based): chr2:222,294,245, C>T on the plus strand (G>A on the coding strand, the complement: PAX3 is on the minus strand). VCF-style: chr2-222294245-C-T. GRCh37 (hg19) VCF-style: chr2-223158964-C-T.
Other names: c.508G>A, p.Ala170Thr (NM_000438.6, NM_013942.5, NM_181457.4 and 3 more transcripts); c.505G>A, p.Ala169Thr (NM_001127366.3); short protein forms A170T, A169T.
Identifiers: ClinVar variation 505427 (VCV000505427.5), dbSNP rs1553592728, ClinGen allele CA351112814.